The following is an entry in ClinVar:

NM_005633.4(SOS1):c.1870G>T (p.Val624Phe)

Gene: SOS1 (SOS Ras/Rac guanine nucleotide exchange factor 1; minus strand). Cytogenetic location: 2p22.1.
Variant type: single nucleotide variant.
Coding change: c.1870G>T on transcript NM_005633.4 (MANE Select); coding-DNA position 1870, G replaced by T.
Protein change: p.Val624Phe; replaces valine 624 with phenylalanine.
Molecular consequence: missense variant.
Genome position (GRCh38, 1-based): chr2:39,014,835, C>A on the plus strand (G>T on the coding strand, the complement: SOS1 is on the minus strand). VCF-style: chr2-39014835-C-A. GRCh37 (hg19) VCF-style: chr2-39241976-C-A.
Other names: c.1849G>T, p.Val617Phe (NM_001382394.1); c.1870G>T, p.Val624Phe (NM_001382395.1); short protein forms V617F, V624F.
Identifiers: ClinVar variation 999933 (VCV000999933.8), dbSNP rs1669579574, ClinGen allele CA346365188.
Genomic context (GRCh38, chr2:39,014,835, plus strand): 5'-TAAGACTCAGTAGTTCTTGAGGTTTGCAAAAGGATCTGTATGTTGTAAGAAATGTCCGAA[C>A]AAAATTGGGATCTAAGAAGAAAAAGGAAAAATATCTTATTAAACTCTATGATTCAAAATG-3'
Protein context (NP_005624.2, residues 614-634): TYHMYADPNF[Val624Phe]RTFLTTYRSF

ClinVar aggregate classification (germline): Uncertain significance (1 of 4 stars; one submission).

Conditions:
RASopathy. Also called: rasopathies; Noonan spectrum disorder. Identifiers: Orphanet 536391, MedGen C5555857, MONDO:0021060.

Submission:

Labcorp Genetics (formerly Invitae), Labcorp
Classification: Uncertain significance for RASopathy. Last evaluated: 2020-02-14. Review status: criteria provided, single submitter. Criteria: Invitae Variant Classification Sherloc (09022015). Collection method: clinical testing. Allele origin: germline.
Comment: In summary, the available evidence is currently insufficient to determine the role of this variant in disease. Therefore, it has been classified as a Variant of Uncertain Significance. Algorithms developed to predict the effect of missense changes on protein structure and function are either unavailable or do not agree on the potential impact of this missense change (SIFT: "Tolerated"; PolyPhen-2: "Probably Damaging"; Align-GVGD: "Class C0"). This variant has been observed in individual(s) with hypertrophic cardiomyopathy and short stature, however it did not segregate with these features in family members (PMID: 22589294). This sequence change replaces valine with phenylalanine at codon 624 of the SOS1 protein (p.Val624Phe). The valine residue is moderately conserved and there is a small physicochemical difference between valine and phenylalanine. This variant is not present in population databases (ExAC no frequency).

Literature cited by the submitters: PubMed 22589294.